The following is an entry in ClinVar:

ClinVar aggregate classification (germline): Uncertain significance (1 of 4 stars; one submission).

Conditions:
Developmental and epileptic encephalopathy, 36 (DEE36). Also called: Epileptic encephalopathy, early infantile, 36; ALG13-CDG; Congenital disorder of glycosylation, type Is. Identifiers: Orphanet 324422, MedGen C4317295, MONDO:0010472, OMIM 300884.

Submission:

Labcorp Genetics (formerly Invitae), Labcorp
Classification: Uncertain significance for Developmental and epileptic encephalopathy, 36. Last evaluated: 2023-11-27. Review status: criteria provided, single submitter. Criteria: Invitae Variant Classification Sherloc (09022015). Collection method: clinical testing. Allele origin: germline.
Comment: This sequence change replaces cysteine, which is neutral and slightly polar, with tyrosine, which is neutral and polar, at codon 1094 of the ALG13 protein (p.Cys1094Tyr). This variant is not present in population databases (gnomAD no frequency). This variant has not been reported in the literature in individuals affected with ALG13-related conditions. ClinVar contains an entry for this variant (Variation ID: 2126437). Algorithms developed to predict the effect of missense changes on protein structure and function output the following: SIFT: "Not Available"; PolyPhen-2: "Benign"; Align-GVGD: "Not Available". The tyrosine amino acid residue is found in multiple mammalian species, which suggests that this missense change does not adversely affect protein function. In summary, the available evidence is currently insufficient to determine the role of this variant in disease. Therefore, it has been classified as a Variant of Uncertain Significance.

NM_001099922.3(ALG13):c.3281G>A (p.Cys1094Tyr)

Gene: ALG13 (ALG13 UDP-N-acetylglucosaminyltransferase subunit; plus strand). Cytogenetic location: Xq23.
Variant type: single nucleotide variant.
Coding change: c.3281G>A on transcript NM_001099922.3 (MANE Select); coding-DNA position 3281, G replaced by A.
Protein change: p.Cys1094Tyr; replaces cysteine 1094 with tyrosine.
Molecular consequence: missense variant. On other transcripts: non-coding transcript variant (1).
Genome position (GRCh38, 1-based): chrX:111,759,866, G>A. VCF-style: chrX-111759866-G-A. GRCh37 (hg19) VCF-style: chrX-111003094-G-A.
Other names: c.2732G>A, p.Cys911Tyr (NM_001257230.2, NM_001257234.2, NM_001257237.2); c.3047G>A, p.Cys1016Tyr (NM_001257231.2); c.3044G>A, p.Cys1015Tyr (NM_001324292.2); c.2558G>A, p.Cys853Tyr (NM_001324293.1); short protein forms C1015Y, C853Y, C1016Y, C1094Y, C911Y.
Identifiers: ClinVar variation 2126437 (VCV002126437.4), dbSNP rs2526596558, ClinGen allele CA414293469.
Genomic context (GRCh38, chrX:111,759,866, plus strand): 5'-ATGGGCAGCCACCTTTGCCAGGTTTTGACTCCTGCCTTCCGGTTGTGCCAGATTATTCCT[G>A]TGTTCCCCCCTGGCATCCAGTTGGTACAGCATATGGTGGTTCTTCTCAAATTCATGGTGC-3'
Protein context (NP_001093392.1, residues 1084-1104): SCLPVVPDYS[Cys1094Tyr]VPPWHPVGTA